The following is an entry in ClinVar:

NM_001447.3(FAT2):c.946T>C (p.Ser316Pro)

Gene: FAT2 (FAT atypical cadherin 2; minus strand). Cytogenetic location: 5q33.1.
Variant type: single nucleotide variant.
Coding change: c.946T>C on transcript NM_001447.3 (MANE Select); coding-DNA position 946, T replaced by C.
Protein change: p.Ser316Pro; replaces serine 316 with proline.
Molecular consequence: missense variant.
Genome position (GRCh38, 1-based): chr5:151,567,986, A>G on the plus strand (T>C on the coding strand, the complement: FAT2 is on the minus strand). VCF-style: chr5-151567986-A-G. GRCh37 (hg19) VCF-style: chr5-150947547-A-G.
Other names: short protein forms S316P.
Identifiers: ClinVar variation 2417676 (VCV002417676.6), dbSNP rs765845293, ClinGen allele CA3522344.

ClinVar aggregate classification (germline): Uncertain significance (1 of 4 stars; one submission).

Allele frequency attached by ClinVar (database versions not stated): gnomAD 0.00001; gnomAD exomes 0.00002; ExAC 0.00003.
gnomAD v4.1: 15 of 1,614,114 alleles (0.00093%); highest among the groups gnomAD compares: Admixed American, 0.023%; no homozygotes.

Submission:

Labcorp Genetics (formerly Invitae), Labcorp
Classification: Uncertain significance. Last evaluated: 2025-05-08. Review status: criteria provided, single submitter. Criteria: Invitae Variant Classification Sherloc (09022015). Collection method: clinical testing. Allele origin: germline.
Comment: This sequence change replaces serine, which is neutral and polar, with proline, which is neutral and non-polar, at codon 316 of the FAT2 protein (p.Ser316Pro). This variant is present in population databases (rs765845293, gnomAD 0.04%). This variant has not been reported in the literature in individuals affected with FAT2-related conditions. ClinVar contains an entry for this variant (Variation ID: 2417676). Invitae Evidence Modeling of protein sequence and biophysical properties (such as structural, functional, and spatial information, amino acid conservation, physicochemical variation, residue mobility, and thermodynamic stability) indicates that this missense variant is expected to disrupt FAT2 protein function with a positive predictive value of 80%. In summary, the available evidence is currently insufficient to determine the role of this variant in disease. Therefore, it has been classified as a Variant of Uncertain Significance.